The following is an entry in ClinVar:

NM_032977.4(CASP10):c.657T>A (p.Asp219Glu)

Gene: CASP10 (caspase 10; plus strand). Cytogenetic location: 2q33.1.
Variant type: single nucleotide variant.
Coding change: c.657T>A on transcript NM_032977.4 (MANE Select); coding-DNA position 657, T replaced by A.
Protein change: p.Asp219Glu; replaces aspartic acid 219 with glutamic acid.
Molecular consequence: missense variant.
Genome position (GRCh38, 1-based): chr2:201,195,921, T>A. VCF-style: chr2-201195921-T-A. GRCh37 (hg19) VCF-style: chr2-202060644-T-A.
Other names: c.657T>A, p.Asp219Glu (NM_001206524.2, NM_001206542.2, NM_001230.5 and 3 more transcripts); short protein forms D219E.
Identifiers: ClinVar variation 2087063 (VCV002087063.4), dbSNP rs1417720189, ClinGen allele CA350279767.

ClinVar aggregate classification (germline): Uncertain significance (1 of 4 stars; one submission).

Conditions:
Autoimmune lymphoproliferative syndrome type 2A (ALPS2A). Also called: CASP10-Related Autoimmune Lymphoproliferative Syndrome; AUTOIMMUNE LYMPHOPROLIFERATIVE SYNDROME, TYPE IIA; Autoimmune lymphoproliferative syndrome type 2. Identifiers: Orphanet 3261, MedGen C1858968, MONDO:0011383, OMIM 603909.

Allele frequency attached by ClinVar (database versions not stated): gnomAD exomes 0.00001.
gnomAD v4.1: 5 of 1,613,880 alleles (0.00031%); highest among the groups gnomAD compares: Admixed American, 0.0083%; no homozygotes.

Submission:

Labcorp Genetics (formerly Invitae), Labcorp
Classification: Uncertain significance for Autoimmune lymphoproliferative syndrome type 2A. Last evaluated: 2022-02-22. Review status: criteria provided, single submitter. Criteria: Invitae Variant Classification Sherloc (09022015). Collection method: clinical testing. Allele origin: germline.
Comment: This sequence change replaces aspartic acid, which is acidic and polar, with glutamic acid, which is acidic and polar, at codon 219 of the CASP10 protein (p.Asp219Glu). This variant is present in population databases (no rsID available, gnomAD 0.01%). This variant has not been reported in the literature in individuals affected with CASP10-related conditions. Algorithms developed to predict the effect of missense changes on protein structure and function output the following: SIFT: "Tolerated"; PolyPhen-2: "Benign"; Align-GVGD: "Class C0". The glutamic acid amino acid residue is found in multiple mammalian species, which suggests that this missense change does not adversely affect protein function. In summary, the available evidence is currently insufficient to determine the role of this variant in disease. Therefore, it has been classified as a Variant of Uncertain Significance.